The following is an entry in ClinVar:

NM_000277.3(PAH):c.1023G>C (p.Lys341Asn)

Gene: PAH (phenylalanine hydroxylase; minus strand). Cytogenetic location: 12q23.2.
Variant type: single nucleotide variant.
Coding change: c.1023G>C on transcript NM_000277.3 (MANE Select); coding-DNA position 1023, G replaced by C.
Protein change: p.Lys341Asn; replaces lysine 341 with asparagine.
Molecular consequence: missense variant.
Genome position (GRCh38, 1-based): chr12:102,844,378, C>G on the plus strand (G>C on the coding strand, the complement: PAH is on the minus strand). VCF-style: chr12-102844378-C-G. GRCh37 (hg19) VCF-style: chr12-103238156-C-G.
Other names: NM_001354304.2:c.1023G>C; c.1023G>C, p.Lys341Asn (NM_001354304.2); short protein forms K341N.
Identifiers: ClinVar variation 1810388 (VCV001810388.1), dbSNP rs550037937, ClinGen allele CA386493436.
Genomic context (GRCh38, chr12:102,844,378, plus strand): 5'-TTCCTGTGAAGGTCATACCTGTAATTCACCAAAGGATGACAGGAGCCCAGCACCATATGC[C>G]TTTATGGAGTCTCCTTGTTTGCAGAGCCCAAACTCCACAGTAAACCAGTAAATCTGGAAT-3'
Protein context (NP_000268.1, residues 331-351): FGLCKQGDSI[Lys341Asn]AYGAGLLSSF

ClinVar aggregate classification (germline): Likely pathogenic (3 of 4 stars; one submission).

Conditions:
Phenylketonuria (PKU). Also called: Phenylketonurias; OLIGOPHRENIA PHENYLPYRUVICA; FOLLING DISEASE; Phenylketonuria (PKU). Identifiers: Orphanet 716, MedGen C0031485, MONDO:0009861, OMIM 261600. Disease mechanism: loss of function.

Submission:

ClinGen PAH Variant Curation Expert Panel
Classification: Likely pathogenic for Phenylketonuria. Last evaluated: 2022-07-30. Review status: reviewed by expert panel. Criteria: ClinGen PAH ACMG Specifications v1. Collection method: curation. Allele origin: germline. Inheritance: Autosomal recessive inheritance.
Comment: This c.1023 G>C (p.Lys341Asn) variant in PAH was seen in a patient with mPKU in trans with the pathogenic variant p.Ala434Asp (PMID: 28982351). This variant was found at a very low frequency in population databases. Multiple lines of computational evidence support a deleterious effect. In summary, this variant meets criteria to be classified as likely pathogenic for PAH. PAH-specific ACMG/AMP criteria applied: PM3, PM2, PP3, PP4.